The following is an entry in ClinVar:

NC_000023.10:g.(?_132670152)_(132888213_?)dup

Gene: GPC3 (glypican 3; minus strand). Cytogenetic location: Xq26.2.
Variant type: Duplication.
Identifiers: ClinVar variation 1036027 (VCV001036027.2).

ClinVar aggregate classification (germline): Uncertain significance (1 of 4 stars; one submission).

Conditions:
Wilms tumor 1 (WT1). Also called: Wilms tumor, somatic. Identifiers: Orphanet 654, MedGen CN033288, MONDO:0008679, OMIM 194070.

Submission:

Labcorp Genetics (formerly Invitae), Labcorp
Classification: Uncertain significance for Wilms tumor 1. Last evaluated: 2022-11-02. Review status: criteria provided, single submitter. Criteria: Invitae Variant Classification Sherloc (09022015). Collection method: clinical testing. Allele origin: germline.
Comment: This variant results in a copy number gain of the genomic region encompassing exon(s) 3-8 of the GPC3 gene. This region includes the termination codon of the gene. This copy number gain extends beyond the assayed region for this gene and therefore may encompass additional genes. As the precise location of this event is unknown, it may be in tandem or it may be located elsewhere in the genome. This variant has not been reported in the literature in individuals affected with GPC3-related conditions. Experimental studies and prediction algorithms are not available or were not evaluated, and the functional significance of this variant is currently unknown. In summary, the available evidence is currently insufficient to determine the role of this variant in disease. Therefore, it has been classified as a Variant of Uncertain Significance.